The following is an entry in ClinVar:

NM_018163.3(DNAJC17):c.371T>C (p.Leu124Pro)

Gene: DNAJC17 (DnaJ heat shock protein family (Hsp40) member C17; minus strand). Cytogenetic location: 15q15.1.
Variant type: single nucleotide variant.
Coding change: c.371T>C on transcript NM_018163.3 (MANE Select); coding-DNA position 371, T replaced by C.
Protein change: p.Leu124Pro; replaces leucine 124 with proline.
Molecular consequence: missense variant.
Genome position (GRCh38, 1-based): chr15:40,776,552, A>G on the plus strand (T>C on the coding strand, the complement: DNAJC17 is on the minus strand). VCF-style: chr15-40776552-A-G. GRCh37 (hg19) VCF-style: chr15-41068750-A-G.
Other names: short protein forms L124P.
Identifiers: ClinVar variation 2023316 (VCV002023316.4), dbSNP rs2504662795, ClinGen allele CA391765276.

ClinVar aggregate classification (germline): Uncertain significance (1 of 4 stars; one submission).

Allele frequency attached by ClinVar (database versions not stated): gnomAD exomes below 0.00001.

Submission:

Labcorp Genetics (formerly Invitae), Labcorp
Classification: Uncertain significance. Last evaluated: 2022-08-09. Review status: criteria provided, single submitter. Criteria: Invitae Variant Classification Sherloc (09022015). Collection method: clinical testing. Allele origin: germline.
Comment: This variant is not present in population databases (gnomAD no frequency). This variant has not been reported in the literature in individuals affected with DNAJC17-related conditions. Algorithms developed to predict the effect of missense changes on protein structure and function (SIFT, PolyPhen-2, Align-GVGD) all suggest that this variant is likely to be disruptive. In summary, the available evidence is currently insufficient to determine the role of this variant in disease. Therefore, it has been classified as a Variant of Uncertain Significance. This sequence change replaces leucine, which is neutral and non-polar, with proline, which is neutral and non-polar, at codon 124 of the DNAJC17 protein (p.Leu124Pro).